The following is an entry in ClinVar:

ClinVar aggregate classification (germline): Likely benign (0 of 4 stars; one submission).

Conditions:
SLC51A-related disorder. Also called: SLC51A-related condition.

Allele frequency attached by ClinVar (database versions not stated): gnomAD exomes 0.00026; ExAC 0.00067; ESP Exome Variant Server 0.00154; gnomAD 0.00157; TOPMed 0.00170; 1000 Genomes Project 30x 0.00359; 1000 Genomes Project 0.00379.

Submission:

PreventionGenetics, part of Exact Sciences
Classification: Likely benign for SLC51A-related condition. Last evaluated: 2021-07-13. Review status: no assertion criteria provided. Collection method: clinical testing. Allele origin: germline.
Comment: This variant is classified as likely benign based on ACMG/AMP sequence variant interpretation guidelines (Richards et al. 2015 PMID: 25741868, with internal and published modifications).

NM_152672.6(SLC51A):c.138G>T (p.Leu46=)

Gene: SLC51A (solute carrier family 51 member A; plus strand). Cytogenetic location: 3q29.
Variant type: single nucleotide variant.
Coding change: c.138G>T on transcript NM_152672.6 (MANE Select); coding-DNA position 138, G replaced by T.
Protein change: p.Leu46=; no amino-acid change (leucine 46 retained).
Molecular consequence: synonymous variant.
Genome position (GRCh38, 1-based): chr3:196,226,969, G>T. VCF-style: chr3-196226969-G-T. GRCh37 (hg19) VCF-style: chr3-195953840-G-T.
Identifiers: ClinVar variation 3048712 (VCV003048712.2), dbSNP rs145068718, ClinGen allele CA2778951.